The following is an entry in ClinVar:

ClinVar aggregate classification (germline): Uncertain significance. Review status: criteria provided, multiple submitters, no conflicts (2 of 4 stars). 2 submissions from 2 submitters: Uncertain significance (2). Last evaluated 2025-10-24.

Allele frequency attached by ClinVar (database versions not stated): gnomAD 0.00001; gnomAD exomes 0.00001; TOPMed 0.00001; ExAC 0.00002.
gnomAD v4.1: 12 of 1,613,904 alleles (0.00074%); highest among the groups gnomAD compares: South Asian, 0.0077%; no homozygotes.

Submissions (2):

Ambry Genetics
Classification: Uncertain significance. Last evaluated: 2025-10-24. Review status: criteria provided, single submitter. Criteria: Ambry Variant Classification Scheme 2023. Collection method: clinical testing. Allele origin: germline.

Labcorp Genetics (formerly Invitae), Labcorp
Classification: Uncertain significance. Last evaluated: 2022-08-16. Review status: criteria provided, single submitter. Criteria: Invitae Variant Classification Sherloc (09022015). Collection method: clinical testing. Allele origin: germline.
Comment: In summary, the available evidence is currently insufficient to determine the role of this variant in disease. Therefore, it has been classified as a Variant of Uncertain Significance. Algorithms developed to predict the effect of missense changes on protein structure and function (SIFT, PolyPhen-2, Align-GVGD) all suggest that this variant is likely to be disruptive. This variant has not been reported in the literature in individuals affected with GLRX5-related conditions. This variant is present in population databases (rs754098542, gnomAD 0.02%). This sequence change replaces proline, which is neutral and non-polar, with leucine, which is neutral and non-polar, at codon 110 of the GLRX5 protein (p.Pro110Leu).

NM_016417.3(GLRX5):c.329C>T (p.Pro110Leu)

Gene: GLRX5 (glutaredoxin 5; plus strand). Cytogenetic location: 14q32.13.
Variant type: single nucleotide variant.
Coding change: c.329C>T on transcript NM_016417.3 (MANE Select); coding-DNA position 329, C replaced by T.
Protein change: p.Pro110Leu; replaces proline 110 with leucine.
Molecular consequence: missense variant.
Genome position (GRCh38, 1-based): chr14:95,543,980, C>T. VCF-style: chr14-95543980-C-T. GRCh37 (hg19) VCF-style: chr14-96010317-C-T.
Other names: short protein forms P110L.
Identifiers: ClinVar variation 1932061 (VCV001932061.7), dbSNP rs754098542, ClinGen allele CA7333946.